The following is an entry in ClinVar:

ClinVar aggregate classification (germline): Uncertain significance. Review status: criteria provided, multiple submitters, no conflicts (2 of 4 stars). 2 submissions from 2 submitters: Uncertain significance (2). Last evaluated 2024-03-05.

Conditions:
Emery-Dreifuss muscular dystrophy 4, autosomal dominant (EDMD4). Also called: EMERY-DREIFUSS MUSCULAR DYSTROPHY 4 WITH VARIABLE FEATURES. Identifiers: Orphanet 261, MedGen C2751807, MONDO:0013071, OMIM 612998.
Autosomal recessive ataxia, Beauce type. Also called: SYNE1 Deficiency; Spinocerebellar ataxia, autosomal recessive 8; ATAXIA, RECESSIVE, OF BEAUCE; SYNE1-Related Autosomal Recessive Cerebellar Ataxia. Identifiers: Orphanet 88644, MedGen C1853116, MONDO:0012549, OMIM 610743.

Allele frequency attached by ClinVar (database versions not stated): gnomAD 0.00003.
gnomAD v4.1: 47 of 1,614,076 alleles (0.0029%); highest among the groups gnomAD compares: South Asian, 0.025%; no homozygotes.

Submissions (2):

Athena Diagnostics
Classification: Uncertain significance. Last evaluated: 2024-03-05. Review status: criteria provided, single submitter. Criteria: Athena Diagnostics Criteria. Collection method: clinical testing. Allele origin: unknown.
Comment: Available data are insufficient to determine the clinical significance of the variant at this time. The frequency of this variant in the general population is uninformative in assessment of its pathogenicity. Computational tools disagree on the variant's effect on normal protein function.

Labcorp Genetics (formerly Invitae), Labcorp
Classification: Uncertain significance for Emery-Dreifuss muscular dystrophy 4, autosomal dominant; Autosomal recessive ataxia, Beauce type. Last evaluated: 2022-03-16. Review status: criteria provided, single submitter. Criteria: Invitae Variant Classification Sherloc (09022015). Collection method: clinical testing. Allele origin: germline.
Comment: In summary, the available evidence is currently insufficient to determine the role of this variant in disease. Therefore, it has been classified as a Variant of Uncertain Significance. Algorithms developed to predict the effect of missense changes on protein structure and function (SIFT, PolyPhen-2, Align-GVGD) all suggest that this variant is likely to be disruptive. This variant has not been reported in the literature in individuals affected with SYNE1-related conditions. This variant is present in population databases (rs374083524, gnomAD 0.03%). This sequence change replaces arginine, which is basic and polar, with histidine, which is basic and polar, at codon 6765 of the SYNE1 protein (p.Arg6765His).

NM_182961.4(SYNE1):c.20507G>A (p.Arg6836His)

Gene: SYNE1 (spectrin repeat containing nuclear envelope protein 1; minus strand). Cytogenetic location: 6q25.2.
Variant type: single nucleotide variant.
Coding change: c.20507G>A on transcript NM_182961.4 (MANE Select); coding-DNA position 20507, G replaced by A.
Protein change: p.Arg6836His; replaces arginine 6836 with histidine.
Molecular consequence: missense variant.
Genome position (GRCh38, 1-based): chr6:152,234,690, C>T on the plus strand (G>A on the coding strand, the complement: SYNE1 is on the minus strand). VCF-style: chr6-152234690-C-T. GRCh37 (hg19) VCF-style: chr6-152555825-C-T.
Other names: c.20294G>A, p.Arg6765His (NM_033071.5); c.20507G>A (NM_182961.2); short protein forms R6765H, R6836H.
Identifiers: ClinVar variation 1947412 (VCV001947412.4), dbSNP rs374083524, ClinGen allele CA4054417.